The following is an entry in ClinVar:

ClinVar aggregate classification (germline): Uncertain significance (1 of 4 stars; one submission).

Allele frequency attached by ClinVar (database versions not stated): gnomAD exomes 0.00001; ExAC 0.00002; gnomAD 0.00004; TOPMed 0.00005; ESP Exome Variant Server 0.00008.
gnomAD v4.1: 11 of 1,612,916 alleles (0.00068%); highest among the groups gnomAD compares: African/African-American, 0.015%; no homozygotes.

Submission:

Labcorp Genetics (formerly Invitae), Labcorp
Classification: Uncertain significance. Last evaluated: 2023-05-27. Review status: criteria provided, single submitter. Criteria: Invitae Variant Classification Sherloc (09022015). Collection method: clinical testing. Allele origin: germline.
Comment: This sequence change replaces phenylalanine, which is neutral and non-polar, with tyrosine, which is neutral and polar, at codon 116 of the RHO protein (p.Phe116Tyr). This variant is present in population databases (rs148801522, gnomAD 0.03%). This variant has not been reported in the literature in individuals affected with RHO-related conditions. ClinVar contains an entry for this variant (Variation ID: 1927289). Advanced modeling of protein sequence and biophysical properties (such as structural, functional, and spatial information, amino acid conservation, physicochemical variation, residue mobility, and thermodynamic stability) performed at Invitae indicates that this missense variant is expected to disrupt RHO protein function. In summary, the available evidence is currently insufficient to determine the role of this variant in disease. Therefore, it has been classified as a Variant of Uncertain Significance.

NM_000539.3(RHO):c.347T>A (p.Phe116Tyr)

Gene: RHO (rhodopsin; plus strand). Cytogenetic location: 3q22.1.
Variant type: single nucleotide variant.
Coding change: c.347T>A on transcript NM_000539.3 (MANE Select); coding-DNA position 347, T replaced by A.
Protein change: p.Phe116Tyr; replaces phenylalanine 116 with tyrosine.
Molecular consequence: missense variant.
Genome position (GRCh38, 1-based): chr3:129,529,080, T>A. VCF-style: chr3-129529080-T-A. GRCh37 (hg19) VCF-style: chr3-129247923-T-A.
Other names: short protein forms F116Y.
Identifiers: ClinVar variation 1927289 (VCV001927289.5), dbSNP rs148801522, ClinGen allele CA2607115.